The following is an entry in ClinVar:

ClinVar aggregate classification (germline): Uncertain significance. Review status: criteria provided, multiple submitters, no conflicts (2 of 4 stars). 4 submissions from 4 submitters: Uncertain significance (4). Last evaluated 2026-08-31.

Conditions:
Hereditary cancer-predisposing syndrome. Also called: Neoplastic Syndromes, Hereditary; Hereditary Cancer Syndrome; Hereditary neoplastic syndrome; Tumor predisposition. Identifiers: Orphanet 140162, MedGen C0027672, MeSH D009386, MONDO:0015356.
Familial adenomatous polyposis 1 (FAP1). Also called: POLYPOSIS, ADENOMATOUS INTESTINAL; FAMILIAL ADENOMATOUS POLYPOSIS 1, ATTENUATED. Identifiers: MedGen C2713442, MONDO:0021056, OMIM 175100. Disease mechanism: loss of function.

Submissions (4):

Ambry Genetics
Classification: Uncertain significance for Hereditary cancer-predisposing syndrome. Last evaluated: 2026-08-31. Review status: criteria provided, single submitter. Criteria: Ambry Variant Classification Scheme 2023. Collection method: clinical testing. Allele origin: germline.
Comment: The p.K2455Q variant (also known as c.7363A>C), located in coding exon 15 of the APC gene, results from an A to C substitution at nucleotide position 7363. The lysine at codon 2455 is replaced by glutamine, an amino acid with similar properties. This amino acid position is conserved. In addition, in silico predictors for this gene do not accurately predict pathogenicity. Based on the available evidence, the clinical significance of this variant remains unclear.

Center for Genomic Medicine, Rigshospitalet, Copenhagen University Hospital
Classification: Uncertain significance. Last evaluated: 2025-12-29. Review status: criteria provided, single submitter. Criteria: ACMG Guidelines, 2015. Collection method: clinical testing. Allele origin: germline.

Color Diagnostics, LLC DBA Color Health
Classification: Uncertain significance for Hereditary cancer-predisposing syndrome. Last evaluated: 2023-12-04. Review status: criteria provided, single submitter. Criteria: ACMG Guidelines, 2015. Collection method: clinical testing. Allele origin: germline.
Comment: This missense variant replaces lysine with glutamine at codon 2455 of the APC protein. Computational prediction suggests that this variant may not impact protein structure and function (internally defined REVEL score threshold <= 0.5, PMID: 27666373). To our knowledge, functional studies have not been reported for this variant. This variant has not been reported in individuals affected with APC-related disorders in the literature. This variant has not been identified in the general population by the Genome Aggregation Database (gnomAD). The available evidence is insufficient to determine the role of this variant in disease conclusively. Therefore, this variant is classified as a Variant of Uncertain Significance.

Labcorp Genetics (formerly Invitae), Labcorp
Classification: Uncertain significance for Familial adenomatous polyposis 1. Last evaluated: 2023-11-07. Review status: criteria provided, single submitter. Criteria: Invitae Variant Classification Sherloc (09022015). Collection method: clinical testing. Allele origin: germline.
Comment: This sequence change replaces lysine, which is basic and polar, with glutamine, which is neutral and polar, at codon 2455 of the APC protein (p.Lys2455Gln). This variant is not present in population databases (gnomAD no frequency). This variant has not been reported in the literature in individuals affected with APC-related conditions. ClinVar contains an entry for this variant (Variation ID: 631101). Advanced modeling of protein sequence and biophysical properties (such as structural, functional, and spatial information, amino acid conservation, physicochemical variation, residue mobility, and thermodynamic stability) performed at Invitae indicates that this missense variant is not expected to disrupt APC protein function with a negative predictive value of 95%. In summary, the available evidence is currently insufficient to determine the role of this variant in disease. Therefore, it has been classified as a Variant of Uncertain Significance.

NM_000038.6(APC):c.7363A>C (p.Lys2455Gln)

Gene: APC (APC regulator of Wnt signaling pathway; plus strand). Cytogenetic location: 5q22.2.
Variant type: single nucleotide variant.
Coding change: c.7363A>C on transcript NM_000038.6 (MANE Select); coding-DNA position 7363, A replaced by C.
Protein change: p.Lys2455Gln; replaces lysine 2455 with glutamine.
Molecular consequence: missense variant.
Genome position (GRCh38, 1-based): chr5:112,842,957, A>C. VCF-style: chr5-112842957-A-C. GRCh37 (hg19) VCF-style: chr5-112178654-A-C.
Other names: c.7363A>C, p.Lys2455Gln (NM_001354895.2, NM_001127510.3); c.7417A>C, p.Lys2473Gln (NM_001354896.2); c.7309A>C, p.Lys2437Gln (NM_001127511.3); c.7393A>C, p.Lys2465Gln (NM_001354897.2); c.7288A>C, p.Lys2430Gln (NM_001354898.2); c.7279A>C, p.Lys2427Gln (NM_001354899.2); c.7240A>C, p.Lys2414Gln (NM_001354900.2); c.7186A>C, p.Lys2396Gln (NM_001354901.2); and 5 more; short protein forms K2437Q, K2455Q, K2329Q, K2396Q, K2172Q, K2295Q, K2364Q, K2465Q.
Identifiers: ClinVar variation 631101 (VCV000631101.12), dbSNP rs1561614871, ClinGen allele CA16037366.
Genomic context (GRCh38, chr5:112,842,957, plus strand): 5'-CCTGTATTAGTACGCCAGTCAACTTTCATCAAAGAAGCTCCAAGCCCAACCTTAAGAAGA[A>C]AATTGGAGGAATCTGCTTCATTTGAATCTCTTTCTCCATCATCTAGACCAGCTTCTCCCA-3'
Protein context (NP_000029.2, residues 2445-2465): KEAPSPTLRR[Lys2455Gln]LEESASFESL